The following is an entry in ClinVar:

ClinVar aggregate classification (germline): Benign (0 of 4 stars; one submission).

Conditions:
GON4L-related disorder. Also called: GON4L-related condition.

Allele frequency attached by ClinVar (database versions not stated): 1000 Genomes Project 0.00559; ESP Exome Variant Server 0.00633; 1000 Genomes Project 30x 0.00656; gnomAD 0.00734.
gnomAD v4.1: 15,030 of 1,595,134 alleles (0.94%); highest among the groups gnomAD compares: Non-Finnish European, 1.1%; 96 homozygotes.

Submission:

PreventionGenetics, part of Exact Sciences
Classification: Benign for GON4L-related condition. Last evaluated: 2019-08-06. Review status: no assertion criteria provided. Collection method: clinical testing. Allele origin: germline.
Comment: This variant is classified as benign based on ACMG/AMP sequence variant interpretation guidelines (Richards et al. 2015 PMID: 25741868, with internal and published modifications).

NM_001282860.2(GON4L):c.4727-10G>C

Gene: GON4L (gon-4 like; minus strand). Cytogenetic location: 1q22.
Variant type: single nucleotide variant.
Coding change: c.4727-10G>C on transcript NM_001282860.2 (MANE Select); 10 bases into the intron before coding-DNA position 4727, G replaced by C.
Molecular consequence: intron variant.
Genome position (GRCh38, 1-based): chr1:155,762,384, C>G on the plus strand (G>C on the coding strand, the complement: GON4L is on the minus strand). VCF-style: chr1-155762384-C-G. GRCh37 (hg19) VCF-style: chr1-155732175-C-G.
Other names: c.4727-10G>C (NM_001282856.2, NM_001282858.2).
Identifiers: ClinVar variation 3057151 (VCV003057151.2), dbSNP rs150685211, ClinGen allele CA1150365.
Genomic context (GRCh38, chr1:155,762,384, plus strand): 5'-TGCGAGCTCGATGATTGTTCCGGCCTTTTCCAGCAGCTTTGATGCTCTCTCCTTGTAGCA[C>G]ACATGAAAAGGATTGTTTCCCTGTCCCTGCAACCTGTGTTCTTCCCATTCCACCACATGC-3'